The following is an entry in ClinVar:

NM_000219.6(KCNE1):c.288G>T (p.Gln96His)

Gene: KCNE1 (potassium voltage-gated channel subfamily E regulatory subunit 1; minus strand). Cytogenetic location: 21q22.12.
Variant type: single nucleotide variant.
Coding change: c.288G>T on transcript NM_000219.6 (MANE Select); coding-DNA position 288, G replaced by T.
Protein change: p.Gln96His; replaces glutamine 96 with histidine.
Molecular consequence: missense variant.
Genome position (GRCh38, 1-based): chr21:34,449,347, C>A on the plus strand (G>T on the coding strand, the complement: KCNE1 is on the minus strand). VCF-style: chr21-34449347-C-A. GRCh37 (hg19) VCF-style: chr21-35821645-C-A.
Other names: c.288G>T, p.Gln96His (NM_001127668.4, NM_001127669.4, NM_001127670.4 and 4 more transcripts); short protein forms Q96H.
Identifiers: ClinVar variation 3374543 (VCV003374543.2).

Conditions:
Long QT syndrome 5 (LQT5). Identifiers: Orphanet 101016, Orphanet 768, MedGen C1867904, MONDO:0013372, OMIM 613695.

Submission:

Roden Lab, Vanderbilt University Medical Center
No classification provided (evidence only). Condition: Long QT syndrome 5. Review status: no classification provided. Collection method: in vitro. Allele origin: not applicable. Functional consequence: Effect on ion channel function.
ClinVar note: "not provided" was previously submitted as the classification for the variant. However, the classification appeared to be based only on an observation of functional data so it was converted to no classification on 2025-07-30.